The following is an entry in ClinVar:

NM_025193.4(HSD3B7):c.1055A>G (p.Asp352Gly)

Gene: HSD3B7 (hydroxy-delta-5-steroid dehydrogenase, 3 beta- and steroid delta-isomerase 7; plus strand). Cytogenetic location: 16p11.2.
Variant type: single nucleotide variant.
Coding change: c.1055A>G on transcript NM_025193.4 (MANE Select); coding-DNA position 1055, A replaced by G.
Protein change: p.Asp352Gly; replaces aspartic acid 352 with glycine.
Molecular consequence: missense variant. On other transcripts: 3 prime UTR variant (2).
Genome position (GRCh38, 1-based): chr16:30,988,128, A>G. VCF-style: chr16-30988128-A-G. GRCh37 (hg19) VCF-style: chr16-30999449-A-G.
Other names: c.*301A>G (NM_001142777.2, NM_001142778.2); short protein forms D352G.
Identifiers: ClinVar variation 3107178 (VCV003107178.2), dbSNP rs201485331, ClinGen allele CA8018171.

ClinVar aggregate classification (germline): Uncertain significance. Review status: criteria provided, multiple submitters, no conflicts (2 of 4 stars). 2 submissions from 2 submitters: Uncertain significance (2). Last evaluated 2026-05-27.

Conditions:
Inborn genetic diseases. Identifiers: MedGen C0950123, MeSH D030342.
HSD3B7-related disorder. Also called: HSD3B7-related condition.

Allele frequency attached by ClinVar (database versions not stated): TOPMed 0.00006; gnomAD 0.00007; ExAC 0.00008; gnomAD exomes 0.00018.
gnomAD v4.1: 274 of 1,606,376 alleles (0.017%); highest among the groups gnomAD compares: Non-Finnish European, 0.023%; no homozygotes.

Submissions (2):

PreventionGenetics, part of Exact Sciences
Classification: Uncertain significance for HSD3B7-related condition. Last evaluated: 2026-05-27. Review status: criteria provided, single submitter. Criteria: ACMG Guidelines, 2015. Collection method: clinical testing. Allele origin: germline.
Comment: The HSD3B7 c.1055A>G variant is predicted to result in the amino acid substitution p.Asp352Gly. To our knowledge, this variant has not been reported in the literature. This variant is reported in 0.017% of alleles in individuals of European (Non-Finnish) descent in gnomAD. At this time, the clinical significance of this variant is uncertain due to the absence of conclusive functional and genetic evidence.

Ambry Genetics
Classification: Uncertain significance for Inborn genetic diseases. Last evaluated: 2023-12-07. Review status: criteria provided, single submitter. Criteria: Ambry Variant Classification Scheme 2023. Collection method: clinical testing. Allele origin: germline.